The following is an entry in ClinVar:

ClinVar aggregate classification (germline): Uncertain significance (1 of 4 stars; one submission).

Submission:

Women's Health and Genetics/Laboratory Corporation of America, LabCorp
Classification: Uncertain significance. Last evaluated: 2024-11-15. Review status: criteria provided, single submitter. Criteria: LabCorp Variant Classification Summary - May 2015. Collection method: clinical testing. Allele origin: germline.
Comment: Variant summary: FKTN c.62T>A (p.Leu21Gln) results in a non-conservative amino acid change located in the Fukutin N-terminal domain (IPR045587) of the encoded protein sequence. Three of three in-silico tools predict a damaging effect of the variant on protein function. The variant was absent in 251340 control chromosomes (gnomAD). The available data on variant occurrences in the general population are insufficient to allow any conclusion about variant significance. c.62T>A has been reported in the literature in at least one individual affected with congenital muscular dystrophy with mental retardation (Song_2021). The report does not provide unequivocal conclusions about association of the variant with Cardiomyopathy. To our knowledge, no experimental evidence demonstrating an impact on protein function has been reported. The following publication have been ascertained in the context of this evaluation (PMID: 33200426). No submitters have cited clinical-significance assessments for this variant to ClinVar. Based on the evidence outlined above, the variant was classified as uncertain significance.

Literature cited by the submitters: PubMed 33200426.

NM_001079802.2(FKTN):c.62T>A (p.Leu21Gln)

Gene: FKTN (fukutin; plus strand). Cytogenetic location: 9q31.2.
Variant type: single nucleotide variant.
Coding change: c.62T>A on transcript NM_001079802.2 (MANE Select); coding-DNA position 62, T replaced by A.
Protein change: p.Leu21Gln; replaces leucine 21 with glutamine.
Molecular consequence: missense variant. On other transcripts: 5 prime UTR variant (5), non-coding transcript variant (2).
Genome position (GRCh38, 1-based): chr9:105,575,094, T>A. VCF-style: chr9-105575094-T-A. GRCh37 (hg19) VCF-style: chr9-108337375-T-A.
Other names: c.62T>A, p.Leu21Gln (NM_001198963.2, NM_001351496.2, NM_001351498.2 and 1 more transcripts); c.-106T>A (NM_001351497.2); c.-453T>A (NM_001351499.2, NM_001351500.2, NM_001351501.2 and 1 more transcripts); short protein forms L21Q.
Identifiers: ClinVar variation 3629625 (VCV003629625.1).